The following is an entry in ClinVar:

ClinVar aggregate classification (germline): Benign. Review status: criteria provided, multiple submitters, no conflicts (2 of 4 stars). 3 submissions from 3 submitters: Benign (3). Last evaluated 2018-06-19.

Conditions:
Unverricht-Lundborg syndrome. Also called: Unverricht-Lundborg Disease; EPILEPSY, PROGRESSIVE MYOCLONIC, 1A; Progressive myoclonus epilepsy baltic myoclonic epilepsy; Myoclonus progressive epilepsy of Unverricht and Lundborg; Epilepsy, progressive myoclonic 1A (Unverricht and Lundborg); Myoclonic epilepsy of unverricht and lundborg. Identifiers: Orphanet 308, MedGen C0751785, MONDO:0009698, OMIM 254800.

Allele frequency attached by ClinVar (database versions not stated): TOPMed 0.03960; gnomAD exomes 0.00343; 1000 Genomes Project 0.03934; gnomAD 0.03508; 1000 Genomes Project 30x 0.04466.

Submissions (3):

GeneDx
Classification: Benign. Last evaluated: 2018-06-19. Review status: criteria provided, single submitter. Criteria: GeneDx Variant Classification (06012015). Collection method: clinical testing. Allele origin: germline. Affected: yes.
Comment: This variant is considered likely benign or benign based on one or more of the following criteria: it is a conservative change, it occurs at a poorly conserved position in the protein, it is predicted to be benign by multiple in silico algorithms, and/or has population frequency not consistent with disease.

Illumina Laboratory Services, Illumina
Classification: Benign for Unverricht-Lundborg syndrome. Last evaluated: 2018-01-13. Review status: criteria provided, single submitter. Criteria: ICSL Variant Classification Criteria 13 December 2019. Collection method: clinical testing. Allele origin: germline.
Comment: This variant was observed in the ICSL laboratory as part of a predisposition screen in an ostensibly healthy population. It had not been previously curated by ICSL or reported in the Human Gene Mutation Database (HGMD: prior to June 1st, 2018), and was therefore a candidate for classification through an automated scoring system. Utilizing variant allele frequency, disease prevalence and penetrance estimates, and inheritance mode, an automated score was calculated to assess if this variant is too frequent to cause the disease. Based on the score and internal cut-off values, a variant classified as benign is not then subjected to further curation. The score for this variant resulted in a classification of benign for this disease.

Breakthrough Genomics
Classification: Benign. Review status: criteria provided, single submitter. Criteria: ACMG Guidelines, 2015. Collection method: not provided. Allele origin: germline. Inheritance: Autosomal recessive inheritance. Affected: yes.

NM_000100.3(CSTB):c.-54C>T

Genes: CSTB (cystatin B; minus strand), LOC130066788 (ATAC-STARR-seq lymphoblastoid silent region 13368; plus strand). Cytogenetic location: 21q22.3.
Variant type: single nucleotide variant.
Coding change: c.-54C>T on transcript NM_000100.3; 54 bases upstream of the start codon, C replaced by T.
Genome position (GRCh38, 1-based): chr21:43,776,323, G>A on the plus strand (C>T on the coding strand, the complement: CSTB is on the minus strand). VCF-style: chr21-43776323-G-A. GRCh37 (hg19) VCF-style: chr21-45196204-G-A.
Identifiers: ClinVar variation 340124 (VCV000340124.9), dbSNP rs59649299, ClinGen allele CA10650583.